The following is an entry in ClinVar:

ClinVar aggregate classification (germline): Uncertain significance (1 of 4 stars; one submission).

Conditions:
HYPERHOMOCYSTEINEMIA, THROMBOTIC, CBS-RELATED. Identifiers: MedGen C3150344, OMIM 236200.

Submission:

Labcorp Genetics (formerly Invitae), Labcorp
Classification: Uncertain significance for HYPERHOMOCYSTEINEMIA, THROMBOTIC, CBS-RELATED. Last evaluated: 2022-05-12. Review status: criteria provided, single submitter. Criteria: Invitae Variant Classification Sherloc (09022015). Collection method: clinical testing. Allele origin: germline.
Comment: This sequence change affects codon 150 of the CBS mRNA. It is a 'silent' change, meaning that it does not change the encoded amino acid sequence of the CBS protein. It affects a nucleotide within the consensus splice site. This variant is not present in population databases (gnomAD no frequency). This variant has not been reported in the literature in individuals affected with CBS-related conditions. Algorithms developed to predict the effect of sequence changes on RNA splicing suggest that this variant is not likely to affect RNA splicing. In summary, the available evidence is currently insufficient to determine the role of this variant in disease. Therefore, it has been classified as a Variant of Uncertain Significance.

NM_000071.3(CBS):c.450C>A (p.Thr150=)

Gene: CBS (cystathionine beta-synthase; minus strand). Cytogenetic location: 21q22.3.
Variant type: single nucleotide variant.
Coding change: c.450C>A on transcript NM_000071.3 (MANE Select); coding-DNA position 450, C replaced by A.
Protein change: p.Thr150=; no amino-acid change (threonine 150 retained).
Molecular consequence: synonymous variant.
Genome position (GRCh38, 1-based): chr21:43,066,244, G>T on the plus strand (C>A on the coding strand, the complement: CBS is on the minus strand). VCF-style: chr21-43066244-G-T. GRCh37 (hg19) VCF-style: chr21-44486354-G-T.
Other names: c.450C>A, p.Thr150= (NM_001178008.3, NM_001178009.3, NM_001320298.2); c.135C>A, p.Thr45= (NM_001321072.1).
Identifiers: ClinVar variation 2130304 (VCV002130304.4), dbSNP rs750030593, ClinGen allele CA2580099038.